The following is an entry in ClinVar:

ClinVar aggregate classification (germline): Uncertain significance (1 of 4 stars; one submission).

Allele frequency attached by ClinVar (database versions not stated): gnomAD 0.00049; ExAC 0.00053; TOPMed 0.00059; ESP Exome Variant Server 0.00069; gnomAD exomes 0.00085.

Submission:

Labcorp Genetics (formerly Invitae), Labcorp
Classification: Uncertain significance. Last evaluated: 2025-09-02. Review status: criteria provided, single submitter. Criteria: Invitae Variant Classification Sherloc (09022015). Collection method: clinical testing. Allele origin: germline.
Comment: This sequence change replaces histidine, which is basic and polar, with tyrosine, which is neutral and polar, at codon 217 of the CHRNA3 protein (p.His217Tyr). This variant is present in population databases (rs72650603, gnomAD 0.1%), and has an allele count higher than expected for a pathogenic variant. This variant has not been reported in the literature in individuals affected with CHRNA3-related conditions. ClinVar contains an entry for this variant (Variation ID: 2043683). Invitae Evidence Modeling of protein sequence and biophysical properties (such as structural, functional, and spatial information, amino acid conservation, physicochemical variation, residue mobility, and thermodynamic stability) indicates that this missense variant is not expected to disrupt CHRNA3 protein function with a negative predictive value of 80%. In summary, the available evidence is currently insufficient to determine the role of this variant in disease. Therefore, it has been classified as a Variant of Uncertain Significance.

NM_000743.5(CHRNA3):c.649C>T (p.His217Tyr)

Gene: CHRNA3 (cholinergic receptor nicotinic alpha 3 subunit; minus strand). Cytogenetic location: 15q25.1.
Variant type: single nucleotide variant.
Coding change: c.649C>T on transcript NM_000743.5 (MANE Select); coding-DNA position 649, C replaced by T.
Protein change: p.His217Tyr; replaces histidine 217 with tyrosine.
Molecular consequence: missense variant. On other transcripts: non-coding transcript variant (1).
Genome position (GRCh38, 1-based): chr15:78,601,993, G>A on the plus strand (C>T on the coding strand, the complement: CHRNA3 is on the minus strand). VCF-style: chr15-78601993-G-A. GRCh37 (hg19) VCF-style: chr15-78894335-G-A.
Other names: c.649C>T, p.His217Tyr (NM_001166694.2); short protein forms H217Y.
Identifiers: ClinVar variation 2043683 (VCV002043683.3), dbSNP rs72650603, ClinGen allele CA7684427.